The following is an entry in ClinVar:

NM_000138.5(FBN1):c.4337A>G (p.Asp1446Gly)

Gene: FBN1 (fibrillin 1; minus strand). Cytogenetic location: 15q21.1.
Variant type: single nucleotide variant.
Coding change: c.4337A>G on transcript NM_000138.5 (MANE Select); coding-DNA position 4337, A replaced by G.
Protein change: p.Asp1446Gly; replaces aspartic acid 1446 with glycine.
Molecular consequence: missense variant.
Genome position (GRCh38, 1-based): chr15:48,470,756, T>C on the plus strand (A>G on the coding strand, the complement: FBN1 is on the minus strand). VCF-style: chr15-48470756-T-C. GRCh37 (hg19) VCF-style: chr15-48762953-T-C.
Other names: short protein forms D1446G.
Identifiers: ClinVar variation 924199 (VCV000924199.17), dbSNP rs397515806, ClinGen allele CA392354856.

ClinVar aggregate classification (germline): Conflicting classifications of pathogenicity. Review status: criteria provided, conflicting classifications (1 of 4 stars). 5 submissions from 5 submitters: Likely pathogenic (1); Uncertain significance (3). 1 of the submissions does not count toward it. Last evaluated 2023-03-13.

Conditions:
Isolated thoracic aortic aneurysm.
Familial thoracic aortic aneurysm and aortic dissection (TAAD). Also called: Thoracic aortic aneurysms and dissections. Identifiers: Orphanet 91387, MedGen C4707243, MONDO:0019625.
Marfan syndrome (MFS). Also called: Marfan syndrome, classic; Marfan syndrome type 1; Marfan's syndrome; FBN1-Related Marfan Syndrome; MARFAN SYNDROME, TYPE I. Identifiers: Orphanet 284963, Orphanet 558, MedGen C0024796, MONDO:0007947, OMIM 154700.

Allele frequency attached by ClinVar (database versions not stated): gnomAD exomes below 0.00001.
gnomAD v4.1: 1 of 1,613,962 alleles (0.000062%); no homozygotes.

Submissions (5):

Labcorp Genetics (formerly Invitae), Labcorp
Classification: Uncertain significance for Marfan syndrome; Familial thoracic aortic aneurysm and aortic dissection. Last evaluated: 2023-03-13. Review status: criteria provided, single submitter. Criteria: Invitae Variant Classification Sherloc (09022015). Collection method: clinical testing. Allele origin: germline.
Comment: This sequence change replaces aspartic acid, which is acidic and polar, with glycine, which is neutral and non-polar, at codon 1446 of the FBN1 protein (p.Asp1446Gly). This variant is not present in population databases (gnomAD no frequency). This missense change has been observed in individuals with clinical features of Marfan syndrome and/or FBN1-related conditions (PMID: 25652356, 33824467; Invitae). ClinVar contains an entry for this variant (Variation ID: 924199). An algorithm developed to predict the effect of missense changes on protein structure and function (PolyPhen-2) suggests that this variant is likely to be disruptive. This variant disrupts the p.Asp1446 amino acid residue in FBN1. Other variant(s) that disrupt this residue have been observed in individuals with FBN1-related conditions (PMID: 25652356, 25907466), which suggests that this may be a clinically significant amino acid residue. In summary, the available evidence is currently insufficient to determine the role of this variant in disease. Therefore, it has been classified as a Variant of Uncertain Significance.

Center for Genomics, Ann and Robert H. Lurie Children's Hospital of Chicago
Classification: Likely pathogenic for Marfan syndrome. Last evaluated: 2022-05-22. Review status: criteria provided, single submitter. Criteria: ACMG Guidelines, 2015. Collection method: clinical testing. Allele origin: germline. Observed: 2 variant alleles.
Comment: This variant has been reported in the literature in two individuals with aortic disease (Baudhuin 2015 PMID: 25652356; Li 2021 PMID: 33824467). This variant is not present in large control databases but is present in ClinVar (Variation ID: 924199). Evolutionary conservation and computational predictive tools suggest that this variant impacts the protein. This variant is located within the consensus binding sequence in a calcium-binding epidermal growth factor (cbEGF)-like domain and may impair protein folding or stabilization (Jensen 2005 PMID: 15649891). Other variants at this same position have been reported in association with Marfan syndrome or aortic disease (p.Asp1446Val, p.Asp1446Asn). In summary, data on this variant is highly suspicious for disease, but requires further evidence for pathogenicity. Therefore, this variant is classified as likely pathogenic.

Color Diagnostics, LLC DBA Color Health
Classification: Uncertain significance for Familial thoracic aortic aneurysm and aortic dissection. Last evaluated: 2019-10-23. Review status: criteria provided, single submitter. Criteria: ACMG Guidelines, 2015. Collection method: clinical testing. Allele origin: germline.
Comment: This missense variant replaces the conserved aspartic acid with glycine at codon 1446 in the calcium-binding EGF-like motif 25 of the FBN1 protein. Computational prediction suggests that this variant may have deleterious impact on protein structure and function (internally defined REVEL score threshold >= 0.7, PMID: 27666373). Splice site prediction tools suggest that this variant may not impact RNA splicing. To our knowledge, functional studies have not been performed for this variant. This variant has been reported in an individual suspected of having Marfan syndrome (PMID: 25652356). This proband showed cardiovascular involvement with unknown Ghent criteria and no family history of Marfan syndrome. This variant has not been identified in the general population by the Genome Aggregation Database (gnomAD). The available evidence is insufficient to determine the role of this variant in disease conclusively. Therefore, this variant is classified as a Variant of Uncertain Significance.

Department of Vascular Biology, Beijing Anzhen Hospital
Classification: Uncertain significance for Isolated thoracic aortic aneurysm. Last evaluated: 2018-09-01. Review status: criteria provided, single submitter. Criteria: ACMG Guidelines, 2015. Collection method: research. Allele origin: germline. Affected: yes.

Department of Laboratory Medicine and Genetics, Samsung Medical Center
Classification: Pathogenic for Familial thoracic aortic aneurysm and aortic dissection. Last evaluated: 2025-01-02. Review status: no assertion criteria provided. Collection method: clinical testing. Allele origin: germline. Affected: yes. Not counted in ClinVar's aggregate classification.
Comment: The NM_000138.5:c.4337A>G is considered to be rare in the general population database (gnomAD v2.1.1). This variant is predicted to be deleterious by in-silico analysis (REVEL). This variant is located in functional domains and a different missense variant at the same residue is determined to be pathogenic (c.4336G>A, p.Asp1446Asn). This variant was found in a patient with suspected Marfan syndrome (PMID: 25652356; 33824467). According to the ClinGen guidance for PP1/BS4 and PP4 criteria (PMID: 38103548), PP1 with weighted strength was applied. In summary, this variant was classified as a pathogenic variant (PM1, PM5, PP1 with weighted strength, PP2, PP3, PS4_P, PM2_P).

Literature cited by the submitters: PubMed 25652356 (cited by Labcorp Genetics (formerly Invitae), Labcorp and Department of Laboratory Medicine and Genetics, Samsung Medical Center); PubMed 33824467 (cited by Labcorp Genetics (formerly Invitae), Labcorp and Department of Laboratory Medicine and Genetics, Samsung Medical Center); PubMed 25907466 (cited by Labcorp Genetics (formerly Invitae), Labcorp); PubMed 37558401 (cited by Department of Laboratory Medicine and Genetics, Samsung Medical Center).